The following is an entry in ClinVar:

NM_000321.3(RB1):c.1849G>A (p.Gly617Ser)

Gene: RB1 (RB transcriptional corepressor 1; plus strand). Cytogenetic location: 13q14.2.
Variant type: single nucleotide variant.
Coding change: c.1849G>A on transcript NM_000321.3 (MANE Select); coding-DNA position 1849, G replaced by A.
Protein change: p.Gly617Ser; replaces glycine 617 with serine.
Molecular consequence: missense variant.
Genome position (GRCh38, 1-based): chr13:48,456,238, G>A. VCF-style: chr13-48456238-G-A. GRCh37 (hg19) VCF-style: chr13-49030374-G-A.
Other names: c.1849G>A, p.Gly617Ser (NM_001407165.1); short protein forms G617S.
Identifiers: ClinVar variation 3231204 (VCV003231204.1), dbSNP rs2138331127, ClinGen allele CA388165758.

ClinVar aggregate classification (germline): Uncertain significance (1 of 4 stars; one submission).

Conditions:
Hereditary cancer-predisposing syndrome. Also called: Neoplastic Syndromes, Hereditary; Tumor predisposition; Hereditary neoplastic syndrome; Hereditary Cancer Syndrome. Identifiers: Orphanet 140162, MedGen C0027672, MeSH D009386, MONDO:0015356.

Submission:

Ambry Genetics
Classification: Uncertain significance for Hereditary cancer-predisposing syndrome. Last evaluated: 2024-03-06. Review status: criteria provided, single submitter. Criteria: Ambry Variant Classification Scheme 2023. Collection method: clinical testing. Allele origin: germline.
Comment: The p.G617S variant (also known as c.1849G>A), located in coding exon 19 of the RB1 gene, results from a G to A substitution at nucleotide position 1849. The glycine at codon 617 is replaced by serine, an amino acid with similar properties. This amino acid position is conserved. In addition, this alteration is predicted to be tolerated by in silico analysis. Based on the available evidence, the clinical significance of this alteration remains unclear.